The following is an entry in ClinVar:

NM_000387.6(SLC25A20):c.199-3C>T

Gene: SLC25A20 (solute carrier family 25 member 20; minus strand). Cytogenetic location: 3p21.31.
Variant type: single nucleotide variant.
Coding change: c.199-3C>T on transcript NM_000387.6 (MANE Select); 3 bases into the intron before coding-DNA position 199, C replaced by T.
Molecular consequence: intron variant.
Genome position (GRCh38, 1-based): chr3:48,884,127, G>A on the plus strand (C>T on the coding strand, the complement: SLC25A20 is on the minus strand). VCF-style: chr3-48884127-G-A. GRCh37 (hg19) VCF-style: chr3-48921560-G-A.
Identifiers: ClinVar variation 3054711 (VCV003054711.2), dbSNP rs371233859, ClinGen allele CA2387460.
Genomic context (GRCh38, chr3:48,884,127, plus strand): 5'-ACATGGGAGTGACCCCGATGATAGGGGCAGCCATTCCCCGATATAGCCCCGTGATGCCCT[G>A]CAAGGAATCACAGAAGCAGAAGCTGTTTACAGACACCACCACCTTTTAAATCACTGAAAG-3'

ClinVar aggregate classification (germline): Likely benign (0 of 4 stars; one submission).

Conditions:
SLC25A20-related disorder. Also called: SLC25A20-related condition.

Allele frequency attached by ClinVar (database versions not stated): ExAC 0.00001; gnomAD 0.00001; gnomAD exomes 0.00001; TOPMed 0.00002; ESP Exome Variant Server 0.00008.
gnomAD v4.1: 4 of 1,613,144 alleles (0.00025%); highest among the groups gnomAD compares: Non-Finnish European, 0.00034%; no homozygotes.

Submission:

PreventionGenetics, part of Exact Sciences
Classification: Likely benign for SLC25A20-related condition. Last evaluated: 2023-04-19. Review status: no assertion criteria provided. Collection method: clinical testing. Allele origin: germline.
Comment: This variant is classified as likely benign based on ACMG/AMP sequence variant interpretation guidelines (Richards et al. 2015 PMID: 25741868, with internal and published modifications).